The following is an entry in ClinVar:

NM_002485.5(NBN):c.2234+12T>C

Gene: NBN (nibrin; minus strand). Cytogenetic location: 8q21.3.
Variant type: single nucleotide variant.
Coding change: c.2234+12T>C on transcript NM_002485.5 (MANE Select); 12 bases into the intron after coding-DNA position 2234, T replaced by C.
Molecular consequence: intron variant.
Genome position (GRCh38, 1-based): chr8:89,937,014, A>G on the plus strand (T>C on the coding strand, the complement: NBN is on the minus strand). VCF-style: chr8-89937014-A-G. GRCh37 (hg19) VCF-style: chr8-90949242-A-G.
Other names: c.1988+12T>C (NM_001024688.3).
Identifiers: ClinVar variation 390706 (VCV000390706.8), dbSNP rs1057523867, ClinGen allele CA16605421.

ClinVar aggregate classification (germline): Likely benign. Review status: criteria provided, multiple submitters, no conflicts (2 of 4 stars). 2 submissions from 2 submitters: Likely benign (2). Last evaluated 2022-03-13.

Conditions:
Microcephaly, normal intelligence and immunodeficiency (NBS). Also called: BERLIN BREAKAGE SYNDROME; Immunodeficiency, microcephaly with normal intelligence; Nijmegen breakage syndrome; Microcephaly with normal intelligence immunodeficiency and lymphoreticular malignancies; Nonsyndromal microcephaly autosomal recessive with normal intelligence; Seemanova syndrome 2. Identifiers: Orphanet 647, MedGen C0398791, MONDO:0009623, OMIM 251260.

Allele frequency attached by ClinVar (database versions not stated): gnomAD exomes below 0.00001.
gnomAD v4.1: 1 of 1,600,616 alleles (0.000062%); no homozygotes.

Submissions (2):

Labcorp Genetics (formerly Invitae), Labcorp
Classification: Likely benign for Microcephaly, normal intelligence and immunodeficiency. Last evaluated: 2022-03-13. Review status: criteria provided, single submitter. Criteria: Invitae Variant Classification Sherloc (09022015). Collection method: clinical testing. Allele origin: germline.

GeneDx
Classification: Likely benign. Last evaluated: 2016-11-03. Review status: criteria provided, single submitter. Criteria: GeneDx Variant Classification (06012015). Collection method: clinical testing. Allele origin: germline. Affected: yes.
Comment: This variant is considered likely benign or benign based on one or more of the following criteria: it is a conservative change, it occurs at a poorly conserved position in the protein, it is predicted to be benign by multiple in silico algorithms, and/or has population frequency not consistent with disease.